The following is an entry in ClinVar:

ClinVar aggregate classification (germline): Uncertain significance. Review status: criteria provided, multiple submitters, no conflicts (2 of 4 stars). 3 submissions from 3 submitters: Uncertain significance (3). Last evaluated 2024-01-24.

Conditions:
Atypical hemolytic-uremic syndrome with I factor anomaly. Also called: HEMOLYTIC UREMIC SYNDROME, ATYPICAL, SUSCEPTIBILITY TO, 3; AHUS, SUSCEPTIBILITY TO, 3. Identifiers: Orphanet 2134, MedGen C2752039, MONDO:0013041, OMIM 612923.
Age related macular degeneration 13. Identifiers: MedGen C3809523, MONDO:0014189, OMIM 615439.
Factor I deficiency (CFID). Also called: Complement factor I deficiency. Identifiers: Orphanet 200418, MedGen C3463916, MONDO:0012594, OMIM 610984.

Allele frequency attached by ClinVar (database versions not stated): gnomAD exomes below 0.00001 and 0.00001; TOPMed 0.00002; ESP Exome Variant Server 0.00008.
gnomAD v4.1: 18 of 1,614,044 alleles (0.0011%); highest among the groups gnomAD compares: Non-Finnish European, 0.0015%; no homozygotes.

Submissions (3):

Fulgent Genetics
Classification: Uncertain significance for Factor I deficiency; Atypical hemolytic-uremic syndrome with I factor anomaly; Age related macular degeneration 13. Last evaluated: 2024-01-24. Review status: criteria provided, single submitter. Criteria: ACMG Guidelines, 2015. Collection method: clinical testing. Allele origin: germline.

Labcorp Genetics (formerly Invitae), Labcorp
Classification: Uncertain significance. Last evaluated: 2023-06-04. Review status: criteria provided, single submitter. Criteria: Invitae Variant Classification Sherloc (09022015). Collection method: clinical testing. Allele origin: germline.
Comment: ClinVar contains an entry for this variant (Variation ID: 899591). Advanced modeling of protein sequence and biophysical properties (such as structural, functional, and spatial information, amino acid conservation, physicochemical variation, residue mobility, and thermodynamic stability) performed at Invitae indicates that this missense variant is not expected to disrupt CFI protein function. In summary, the available evidence is currently insufficient to determine the role of this variant in disease. Therefore, it has been classified as a Variant of Uncertain Significance. This variant has not been reported in the literature in individuals affected with CFI-related conditions. This sequence change replaces lysine, which is basic and polar, with glutamine, which is neutral and polar, at codon 31 of the CFI protein (p.Lys31Gln). This variant is not present in population databases (gnomAD no frequency).

Illumina Laboratory Services, Illumina
Classification: Uncertain significance for Atypical hemolytic-uremic syndrome with I factor anomaly. Last evaluated: 2018-01-12. Review status: criteria provided, single submitter. Criteria: ICSL Variant Classification Criteria 13 December 2019. Collection method: clinical testing. Allele origin: germline.

NM_000204.5(CFI):c.91A>C (p.Lys31Gln)

Gene: CFI (complement factor I; minus strand). Cytogenetic location: 4q25.
Variant type: single nucleotide variant.
Coding change: c.91A>C on transcript NM_000204.5 (MANE Select); coding-DNA position 91, A replaced by C.
Protein change: p.Lys31Gln; replaces lysine 31 with glutamine.
Molecular consequence: missense variant. On other transcripts: non-coding transcript variant (3), intron variant (1).
Genome position (GRCh38, 1-based): chr4:109,766,791, T>G on the plus strand (A>C on the coding strand, the complement: CFI is on the minus strand). VCF-style: chr4-109766791-T-G. GRCh37 (hg19) VCF-style: chr4-110687947-T-G.
Other names: c.91A>C, p.Lys31Gln (NM_001318057.2, NM_001331035.2, NM_001375278.1 and 5 more transcripts); c.-127-5099A>C (NM_001375284.1); short protein forms K31Q.
Identifiers: ClinVar variation 899591 (VCV000899591.12), dbSNP rs140888912, ClinGen allele CA103698347.
Genomic context (GRCh38, chr4:109,766,791, plus strand): 5'-ATGGCTGGCAGAAGACTTTATCGCAGGAGAGGTGAGTATATTTTTTTGCTAAGCACTTTT[T>G]CTCCACCAGATCCTCTTGAGATGTATAAGTGACCTGTAAAATGCAAAATAAACATTAACT-3'
Protein context (NP_000195.3, residues 21-41): TYTSQEDLVE[Lys31Gln]KCLAKKYTHL